The following is an entry in ClinVar:

ClinVar aggregate classification (germline): Uncertain significance (1 of 4 stars; one submission).

Allele frequency attached by ClinVar (database versions not stated): gnomAD exomes below 0.00001.
gnomAD v4.1: 2 of 1,551,032 alleles (0.00013%); highest among the groups gnomAD compares: Admixed American, 0.0039%; no homozygotes.

Submission:

Labcorp Genetics (formerly Invitae), Labcorp
Classification: Uncertain significance. Last evaluated: 2022-03-26. Review status: criteria provided, single submitter. Criteria: Invitae Variant Classification Sherloc (09022015). Collection method: clinical testing. Allele origin: germline.
Comment: This sequence change replaces alanine, which is neutral and non-polar, with threonine, which is neutral and polar, at codon 2402 of the UNC80 protein (p.Ala2402Thr). This variant is not present in population databases (gnomAD no frequency). This variant has not been reported in the literature in individuals affected with UNC80-related conditions. Algorithms developed to predict the effect of missense changes on protein structure and function are either unavailable or do not agree on the potential impact of this missense change (SIFT: "Not Available"; PolyPhen-2: "Benign"; Align-GVGD: "Not Available"). In summary, the available evidence is currently insufficient to determine the role of this variant in disease. Therefore, it has been classified as a Variant of Uncertain Significance.

NM_001371986.1(UNC80):c.7402G>A (p.Ala2468Thr)

Gene: UNC80 (unc-80 subunit of NALCN channel complex; plus strand). Cytogenetic location: 2q34.
Variant type: single nucleotide variant.
Coding change: c.7402G>A on transcript NM_001371986.1 (MANE Select); coding-DNA position 7402, G replaced by A.
Protein change: p.Ala2468Thr; replaces alanine 2468 with threonine.
Molecular consequence: missense variant.
Genome position (GRCh38, 1-based): chr2:209,954,215, G>A. VCF-style: chr2-209954215-G-A. GRCh37 (hg19) VCF-style: chr2-210818939-G-A.
Other names: c.7204G>A, p.Ala2402Thr (NM_032504.2); c.7189G>A, p.Ala2397Thr (NM_182587.4); short protein forms A2397T, A2468T, A2402T.
Identifiers: ClinVar variation 2066671 (VCV002066671.4), dbSNP rs2471194863, ClinGen allele CA350775732.